The following is an entry in ClinVar:

ClinVar aggregate classification (germline): Benign/Likely benign. Review status: criteria provided, multiple submitters, no conflicts (2 of 4 stars). 3 submissions from 3 submitters: Benign (1); Likely benign (2). Last evaluated 2021-10-28.

Allele frequency attached by ClinVar (database versions not stated): ESP Exome Variant Server 0.00038; gnomAD exomes 0.00157 and 0.00634; gnomAD 0.00176 and 0.00218; ExAC 0.00538; 1000 Genomes Project 0.00919; TOPMed 0.00328; 1000 Genomes Project 30x 0.00937.
gnomAD v4.1: 2,668 of 1,613,054 alleles (0.17%); highest among the groups gnomAD compares: East Asian, 2.6%; 35 homozygotes.

Submissions (3):

Mayo Clinic Laboratories, Mayo Clinic
Classification: Benign. Last evaluated: 2021-10-28. Review status: criteria provided, single submitter. Criteria: ACMG Guidelines, 2015. Collection method: clinical testing. Allele origin: germline. Observed: 8 variant alleles.
Comment: BA1, BP4

GeneDx
Classification: Likely benign. Last evaluated: 2021-05-15. Review status: criteria provided, single submitter. Criteria: GeneDx Variant Classification Process June 2021. Collection method: clinical testing. Allele origin: germline. Affected: yes.

Breakthrough Genomics
Classification: Likely benign. Review status: criteria provided, single submitter. Criteria: ACMG Guidelines, 2015. Collection method: not provided. Allele origin: germline. Inheritance: Autosomal recessive inheritance. Affected: yes.

NM_000035.4(ALDOB):c.799+28A>G

Gene: ALDOB (aldolase, fructose-bisphosphate B; minus strand). Cytogenetic location: 9q31.1.
Variant type: single nucleotide variant.
Coding change: c.799+28A>G on transcript NM_000035.4 (MANE Select); 28 bases into the intron after coding-DNA position 799, A replaced by G.
Molecular consequence: intron variant.
Genome position (GRCh38, 1-based): chr9:101,425,425, T>C on the plus strand (A>G on the coding strand, the complement: ALDOB is on the minus strand). VCF-style: chr9-101425425-T-C. GRCh37 (hg19) VCF-style: chr9-104187707-T-C.
Other names: p.?.
Identifiers: ClinVar variation 1321765 (VCV001321765.4), dbSNP rs117738198, ClinGen allele CA5161468.